The following is an entry in ClinVar:

NM_004385.5(VCAN):c.2432C>A (p.Thr811Lys)

Gene: VCAN (versican; plus strand). Cytogenetic location: 5q14.3.
Variant type: single nucleotide variant.
Coding change: c.2432C>A on transcript NM_004385.5 (MANE Select); coding-DNA position 2432, C replaced by A.
Protein change: p.Thr811Lys; replaces threonine 811 with lysine.
Molecular consequence: missense variant. On other transcripts: intron variant (2).
Genome position (GRCh38, 1-based): chr5:83,520,738, C>A. VCF-style: chr5-83520738-C-A. GRCh37 (hg19) VCF-style: chr5-82816557-C-A.
Other names: c.2432C>A, p.Thr811Lys (NM_001164098.2); c.1042+8342C>A (NM_001164097.2, NM_001126336.3); short protein forms T811K.
Identifiers: ClinVar variation 2527587 (VCV002527587.3), dbSNP rs1271774961, ClinGen allele CA360303924.

ClinVar aggregate classification (germline): Uncertain significance. Review status: criteria provided, multiple submitters, no conflicts (2 of 4 stars). 2 submissions from 2 submitters: Uncertain significance (2). Last evaluated 2023-04-26.

Conditions:
VCAN-related disorder. Also called: VCAN-related condition.
Inborn genetic diseases. Identifiers: MedGen C0950123, MeSH D030342.

gnomAD v4.1: 5 of 1,614,024 alleles (0.00031%); highest among the groups gnomAD compares: African/African-American, 0.0013%; no homozygotes.

Submissions (2):

PreventionGenetics, part of Exact Sciences
Classification: Uncertain significance for VCAN-related condition. Last evaluated: 2023-04-26. Review status: criteria provided, single submitter. Criteria: ACMG Guidelines, 2015. Collection method: clinical testing. Allele origin: germline.
Comment: The VCAN c.2432C>A variant is predicted to result in the amino acid substitution p.Thr811Lys. To our knowledge, this variant has not been reported in the literature. This variant is reported in 0.011% of alleles in individuals of African descent in gnomAD. At this time, the clinical significance of this variant is uncertain due to the absence of conclusive functional and genetic evidence.

Ambry Genetics
Classification: Uncertain significance for Inborn genetic diseases. Last evaluated: 2023-03-21. Review status: criteria provided, single submitter. Criteria: Ambry Variant Classification Scheme 2023. Collection method: clinical testing. Allele origin: germline.